The following is an entry in ClinVar:

NM_000405.5(GM2A):c.308T>C (p.Ile103Thr)

Gene: GM2A (ganglioside GM2 activator; plus strand). Cytogenetic location: 5q33.1.
Variant type: single nucleotide variant.
Coding change: c.308T>C on transcript NM_000405.5 (MANE Select); coding-DNA position 308, T replaced by C.
Protein change: p.Ile103Thr; replaces isoleucine 103 with threonine.
Molecular consequence: missense variant.
Genome position (GRCh38, 1-based): chr5:151,266,795, T>C. VCF-style: chr5-151266795-T-C. GRCh37 (hg19) VCF-style: chr5-150646356-T-C.
Other names: c.308T>C, p.Ile103Thr (NM_001167607.3); short protein forms I103T.
Identifiers: ClinVar variation 1029825 (VCV001029825.2), dbSNP rs1443880021, ClinGen allele CA361807871.

ClinVar aggregate classification (germline): Uncertain significance. Review status: criteria provided, multiple submitters, no conflicts (2 of 4 stars). 2 submissions from 2 submitters: Uncertain significance (2). Last evaluated 2024-03-29.

Conditions:
Tay-Sachs disease, variant AB. Also called: Gm2-gangliosidosis, ab variant; GM2 Activator Deficiency. Identifiers: Orphanet 309246, MedGen C0268275, MONDO:0010099, OMIM 272750.

Allele frequency attached by ClinVar (database versions not stated): gnomAD exomes below 0.00001.
gnomAD v4.1: 3 of 1,613,680 alleles (0.00019%); highest among the groups gnomAD compares: African/African-American, 0.0027%; no homozygotes.

Submissions (2):

Genomic Medicine Center of Excellence, King Faisal Specialist Hospital and Research Centre
Classification: Uncertain significance for Tay-Sachs disease, variant AB. Last evaluated: 2024-03-29. Review status: criteria provided, single submitter. Criteria: ACMG Guidelines, 2015. Collection method: clinical testing. Allele origin: germline.

Baylor Genetics
Classification: Uncertain significance for Tay-Sachs disease, variant AB. Last evaluated: 2020-02-12. Review status: criteria provided, single submitter. Criteria: ACMG Guidelines, 2015. Collection method: clinical testing. Allele origin: unknown. Affected: yes.
Comment: This variant was determined to be of uncertain significance according to ACMG Guidelines, 2015 [PMID:25741868].